The following is an entry in ClinVar:

NM_004304.5(ALK):c.334G>T (p.Ala112Ser)

Gene: ALK (ALK receptor tyrosine kinase; minus strand). Cytogenetic location: 2p23.1.
Variant type: single nucleotide variant.
Coding change: c.334G>T on transcript NM_004304.5 (MANE Select); coding-DNA position 334, G replaced by T.
Protein change: p.Ala112Ser; replaces alanine 112 with serine.
Molecular consequence: missense variant.
Genome position (GRCh38, 1-based): chr2:29,920,326, C>A on the plus strand (G>T on the coding strand, the complement: ALK is on the minus strand). VCF-style: chr2-29920326-C-A. GRCh37 (hg19) VCF-style: chr2-30143192-C-A.
Other names: short protein forms A112S.
Identifiers: ClinVar variation 4040675 (VCV004040675.1).

ClinVar aggregate classification (germline): Uncertain significance (1 of 4 stars; one submission).

Conditions:
Hereditary cancer-predisposing syndrome. Also called: Neoplastic Syndromes, Hereditary; Tumor predisposition; Hereditary neoplastic syndrome; Hereditary Cancer Syndrome. Identifiers: Orphanet 140162, MedGen C0027672, MeSH D009386, MONDO:0015356.

Submission:

Ambry Genetics
Classification: Uncertain significance for Hereditary cancer-predisposing syndrome. Last evaluated: 2025-04-17. Review status: criteria provided, single submitter. Criteria: Ambry Variant Classification Scheme 2023. Collection method: clinical testing. Allele origin: germline.
Comment: The p.A112S variant (also known as c.334G>T), located in coding exon 1 of the ALK gene, results from a G to T substitution at nucleotide position 334. The alanine at codon 112 is replaced by serine, an amino acid with similar properties. This amino acid position is conserved. In addition, this alteration is predicted to be tolerated by in silico analysis. Based on the available evidence, the clinical significance of this variant remains unclear.